The following is an entry in ClinVar:

ClinVar aggregate classification (germline): Uncertain significance (1 of 4 stars; one submission).

Submission:

GeneDx
Classification: Uncertain significance. Last evaluated: 2025-07-30. Review status: criteria provided, single submitter. Criteria: GeneDx Variant Classification Process June 2021. Collection method: clinical testing. Allele origin: germline.
Comment: Not observed at significant frequency in large population cohorts (gnomAD); In silico analysis suggests that this missense variant does not alter protein structure/function; Has not been previously published as pathogenic or benign to our knowledge

NM_001303457.2(TTI1):c.3244C>T (p.Leu1082Phe)

Gene: TTI1 (TELO2 interacting protein 1; minus strand). Cytogenetic location: 20q11.23.
Variant type: single nucleotide variant.
Coding change: c.3244C>T on transcript NM_001303457.2 (MANE Select); coding-DNA position 3244, C replaced by T.
Protein change: p.Leu1082Phe; replaces leucine 1082 with phenylalanine.
Molecular consequence: missense variant.
Genome position (GRCh38, 1-based): chr20:37,983,482, G>A on the plus strand (C>T on the coding strand, the complement: TTI1 is on the minus strand). VCF-style: chr20-37983482-G-A. GRCh37 (hg19) VCF-style: chr20-36611884-G-A.
Other names: c.3244C>T, p.Leu1082Phe (NM_014657.3); short protein forms L1082F.
Identifiers: ClinVar variation 3368424 (VCV003368424.2).